The following is an entry in ClinVar:

ClinVar aggregate classification (germline): Uncertain significance (1 of 4 stars; one submission).

Submission:

Ambry Genetics
Classification: Uncertain significance. Last evaluated: 2023-05-15. Review status: criteria provided, single submitter. Criteria: Ambry Variant Classification Scheme 2023. Collection method: clinical testing. Allele origin: germline.
Comment: The p.E342K variant (also known as c.1024G>A), located in coding exon 1 of the MLH3 gene, results from a G to A substitution at nucleotide position 1024. The glutamic acid at codon 342 is replaced by lysine, an amino acid with similar properties. This amino acid position is conserved. In addition, the in silico prediction for this alteration is inconclusive. Since supporting evidence is limited at this time, the clinical significance of this alteration remains unclear.

NM_001040108.2(MLH3):c.1024G>A (p.Glu342Lys)

Gene: MLH3 (mutL homolog 3; minus strand). Cytogenetic location: 14q24.3.
Variant type: single nucleotide variant.
Coding change: c.1024G>A on transcript NM_001040108.2 (MANE Select); coding-DNA position 1024, G replaced by A.
Protein change: p.Glu342Lys; replaces glutamic acid 342 with lysine.
Molecular consequence: missense variant.
Genome position (GRCh38, 1-based): chr14:75,048,632, C>T on the plus strand (G>A on the coding strand, the complement: MLH3 is on the minus strand). VCF-style: chr14-75048632-C-T. GRCh37 (hg19) VCF-style: chr14-75515335-C-T.
Other names: c.1024G>A, p.Glu342Lys (NM_014381.3); short protein forms E342K.
Identifiers: ClinVar variation 2561671 (VCV002561671.2), dbSNP rs2139591216, ClinGen allele CA390447992.